The following is an entry in ClinVar:

ClinVar aggregate classification (germline): Likely benign (1 of 4 stars; one submission).

gnomAD v4.1: 6 of 1,613,984 alleles (0.00037%); highest among the groups gnomAD compares: East Asian, 0.013%; no homozygotes.

Submission:

CeGaT Center for Human Genetics Tuebingen
Classification: Likely benign. Last evaluated: 2025-05-01. Review status: criteria provided, single submitter. Criteria: CeGaT Center For Human Genetics Tuebingen Variant Classification Criteria Version 2. Collection method: clinical testing. Allele origin: germline. Affected: yes. Observed: 1 variant allele.
Comment: PPM1D: BP4, BP7

NM_003620.4(PPM1D):c.1332C>T (p.Ala444=)

Gene: PPM1D (protein phosphatase, Mg2+/Mn2+ dependent 1D; plus strand). Cytogenetic location: 17q23.2.
Variant type: single nucleotide variant.
Coding change: c.1332C>T on transcript NM_003620.4 (MANE Select); coding-DNA position 1332, C replaced by T.
Protein change: p.Ala444=; no amino-acid change (alanine 444 retained).
Molecular consequence: synonymous variant.
Genome position (GRCh38, 1-based): chr17:60,663,066, C>T. VCF-style: chr17-60663066-C-T. GRCh37 (hg19) VCF-style: chr17-58740427-C-T.
Identifiers: ClinVar variation 3905853 (VCV003905853.10).